The following is an entry in ClinVar:

ClinVar aggregate classification (germline): Uncertain significance. Review status: criteria provided, multiple submitters, no conflicts (2 of 4 stars). 2 submissions from 2 submitters: Uncertain significance (2). Last evaluated 2024-05-30.

Conditions:
Hereditary spastic paraplegia 11. Also called: Spastic paraplegia, mental retardation and thin corpus callosum; SPASTIC PARAPLEGIA, AUTOSOMAL RECESSIVE, COMPLICATED, WITH THIN CORPUS CALLOSUM; SPASTIC PARAPLEGIA, AUTOSOMAL RECESSIVE, WITH MENTAL IMPAIRMENT AND THIN CORPUS CALLOSUM; Spastic Paraplegia 11; Nakamura Osame syndrome; Autosomal recessive hereditary spastic paraplegia, mental impairment, and thin corpus callosum. Identifiers: Orphanet 2822, MedGen C1858479, MONDO:0011445, OMIM 604360.
Inborn genetic diseases. Identifiers: MedGen C0950123, MeSH D030342.

Allele frequency attached by ClinVar (database versions not stated): gnomAD exomes below 0.00001 and 0.00001; ExAC 0.00002.
gnomAD v4.1: 6 of 1,614,132 alleles (0.00037%); highest among the groups gnomAD compares: South Asian, 0.0022%; no homozygotes.

Submissions (2):

Ambry Genetics
Classification: Uncertain significance for Inborn genetic diseases. Last evaluated: 2024-05-30. Review status: criteria provided, single submitter. Criteria: Ambry Variant Classification Scheme 2023. Collection method: clinical testing. Allele origin: germline.

Labcorp Genetics (formerly Invitae), Labcorp
Classification: Uncertain significance for Hereditary spastic paraplegia 11. Last evaluated: 2021-09-01. Review status: criteria provided, single submitter. Criteria: Invitae Variant Classification Sherloc (09022015). Collection method: clinical testing. Allele origin: germline.
Comment: This sequence change replaces valine with alanine at codon 922 of the SPG11 protein (p.Val922Ala). The valine residue is moderately conserved and there is a small physicochemical difference between valine and alanine. This variant is present in population databases (rs780318629, ExAC 0.003%). This variant has not been reported in the literature in individuals affected with SPG11-related conditions. Algorithms developed to predict the effect of missense changes on protein structure and function output the following: SIFT: "Tolerated"; PolyPhen-2: "Benign"; Align-GVGD: "Class C0". The alanine amino acid residue is found in multiple mammalian species, which suggests that this missense change does not adversely affect protein function. In summary, the available evidence is currently insufficient to determine the role of this variant in disease. Therefore, it has been classified as a Variant of Uncertain Significance.

NM_025137.4(SPG11):c.2765T>C (p.Val922Ala)

Gene: SPG11 (SPG11 vesicle trafficking associated, spatacsin; minus strand). Cytogenetic location: 15q21.1.
Variant type: single nucleotide variant.
Coding change: c.2765T>C on transcript NM_025137.4 (MANE Select); coding-DNA position 2765, T replaced by C.
Protein change: p.Val922Ala; replaces valine 922 with alanine.
Molecular consequence: missense variant.
Genome position (GRCh38, 1-based): chr15:44,620,259, A>G on the plus strand (T>C on the coding strand, the complement: SPG11 is on the minus strand). VCF-style: chr15-44620259-A-G. GRCh37 (hg19) VCF-style: chr15-44912457-A-G.
Other names: c.2765T>C, p.Val922Ala (NM_001160227.2); c.2765T>C (NM_025137.3); short protein forms V922A.
Identifiers: ClinVar variation 1045577 (VCV001045577.6), dbSNP rs780318629, ClinGen allele CA7535148.
Genomic context (GRCh38, chr15:44,620,259, plus strand): 5'-TTATCTAAAATTTCATTCCTCATGTAGTTGTTACAGGAAGTATTCTGGTTAATAACATCA[A>G]CAGTCAGAAGGGGCCATTTGTTCTGCTGAAGTGAAGCATAACTATGCTGGGTTTGAAATT-3'
Protein context (NP_079413.3, residues 912-932): LQQNKWPLLT[Val922Ala]DVINQNTSCN